The following is an entry in ClinVar:

NM_004588.5(SCN2B):c.292C>T (p.Arg98Cys)

Gene: SCN2B (sodium voltage-gated channel beta subunit 2; minus strand). Cytogenetic location: 11q23.3.
Variant type: single nucleotide variant.
Coding change: c.292C>T on transcript NM_004588.5 (MANE Select); coding-DNA position 292, C replaced by T.
Protein change: p.Arg98Cys; replaces arginine 98 with cysteine.
Molecular consequence: missense variant.
Genome position (GRCh38, 1-based): chr11:118,168,241, G>A on the plus strand (C>T on the coding strand, the complement: SCN2B is on the minus strand). VCF-style: chr11-118168241-G-A. GRCh37 (hg19) VCF-style: chr11-118038956-G-A.
Other names: short protein forms R98C.
Identifiers: ClinVar variation 1059103 (VCV001059103.12), dbSNP rs771234231, ClinGen allele CA6300488.

ClinVar aggregate classification (germline): Uncertain significance. Review status: criteria provided, multiple submitters, no conflicts (2 of 4 stars). 2 submissions from 2 submitters: Uncertain significance (2). Last evaluated 2025-02-06.

Conditions:
Atrial fibrillation, familial, 14 (ATFB14). Identifiers: MedGen C3809312, MONDO:0014156, OMIM 615378.
Cardiovascular phenotype. Identifiers: MedGen CN230736.

Allele frequency attached by ClinVar (database versions not stated): ExAC 0.00001; gnomAD exomes 0.00001; TOPMed 0.00001; gnomAD 0.00002.

Submissions (2):

Ambry Genetics
Classification: Uncertain significance for Cardiovascular phenotype. Last evaluated: 2025-02-06. Review status: criteria provided, single submitter. Criteria: Ambry Variant Classification Scheme 2023. Collection method: clinical testing. Allele origin: germline.
Comment: The p.R98C variant (also known as c.292C>T), located in coding exon 3 of the SCN2B gene, results from a C to T substitution at nucleotide position 292. The arginine at codon 98 is replaced by cysteine, an amino acid with highly dissimilar properties. This amino acid position is highly conserved in available vertebrate species. In addition, this alteration is predicted to be deleterious by in silico analysis. Since supporting evidence is limited at this time, the clinical significance of this alteration remains unclear.

Labcorp Genetics (formerly Invitae), Labcorp
Classification: Uncertain significance for Atrial fibrillation, familial, 14. Last evaluated: 2022-09-13. Review status: criteria provided, single submitter. Criteria: Invitae Variant Classification Sherloc (09022015). Collection method: clinical testing. Allele origin: germline.
Comment: In summary, the available evidence is currently insufficient to determine the role of this variant in disease. Therefore, it has been classified as a Variant of Uncertain Significance. Algorithms developed to predict the effect of missense changes on protein structure and function (SIFT, PolyPhen-2, Align-GVGD) all suggest that this variant is likely to be disruptive. ClinVar contains an entry for this variant (Variation ID: 1059103). This variant has not been reported in the literature in individuals affected with SCN2B-related conditions. This variant is present in population databases (rs771234231, gnomAD 0.005%). This sequence change replaces arginine, which is basic and polar, with cysteine, which is neutral and slightly polar, at codon 98 of the SCN2B protein (p.Arg98Cys).